The following is an entry in ClinVar:

ClinVar aggregate classification (germline): Uncertain significance. Review status: criteria provided, multiple submitters, no conflicts (2 of 4 stars). 2 submissions from 2 submitters: Uncertain significance (2). Last evaluated 2024-04-23.

Conditions:
Liddle syndrome 1 (LIDLS1). Also called: PSEUDOALDOSTERONISM. Identifiers: Orphanet 526, MedGen CN031472, MONDO:0020607, OMIM 177200.
Bronchiectasis with or without elevated sweat chloride 1 (BESC1). Also called: Cystic Fibrosis-Like Syndrome. Identifiers: Orphanet 60033, MedGen C2749757, MONDO:0008887, OMIM 211400.
Pseudohypoaldosteronism, type IB2, autosomal recessive (PHA1B2). Identifiers: MedGen C5774255, MONDO:0859317, OMIM 620125.

Allele frequency attached by ClinVar (database versions not stated): gnomAD exomes below 0.00001.
gnomAD v4.1: 3 of 1,613,742 alleles (0.00019%); highest among the groups gnomAD compares: Middle Eastern, 0.017%; no homozygotes.

Submissions (2):

Fulgent Genetics
Classification: Uncertain significance for Liddle syndrome 1; Bronchiectasis with or without elevated sweat chloride 1; Pseudohypoaldosteronism, type IB2, autosomal recessive. Last evaluated: 2024-04-23. Review status: criteria provided, single submitter. Criteria: ACMG Guidelines, 2015. Collection method: clinical testing. Allele origin: germline.

Labcorp Genetics (formerly Invitae), Labcorp
Classification: Uncertain significance. Last evaluated: 2022-06-23. Review status: criteria provided, single submitter. Criteria: Invitae Variant Classification Sherloc (09022015). Collection method: clinical testing. Allele origin: germline.
Comment: This variant has not been reported in the literature in individuals affected with SCNN1B-related conditions. In summary, the available evidence is currently insufficient to determine the role of this variant in disease. Therefore, it has been classified as a Variant of Uncertain Significance. Algorithms developed to predict the effect of missense changes on protein structure and function are either unavailable or do not agree on the potential impact of this missense change (SIFT: "Deleterious"; PolyPhen-2: "Possibly Damaging"; Align-GVGD: "Class C0"). This variant is not present in population databases (gnomAD no frequency). This sequence change replaces leucine, which is neutral and non-polar, with phenylalanine, which is neutral and non-polar, at codon 347 of the SCNN1B protein (p.Leu347Phe).

NM_000336.3(SCNN1B):c.1039C>T (p.Leu347Phe)

Gene: SCNN1B (sodium channel epithelial 1 subunit beta; plus strand). Cytogenetic location: 16p12.2.
Variant type: single nucleotide variant.
Coding change: c.1039C>T on transcript NM_000336.3 (MANE Select); coding-DNA position 1039, C replaced by T.
Protein change: p.Leu347Phe; replaces leucine 347 with phenylalanine.
Molecular consequence: missense variant.
Genome position (GRCh38, 1-based): chr16:23,371,457, C>T. VCF-style: chr16-23371457-C-T. GRCh37 (hg19) VCF-style: chr16-23382778-C-T.
Other names: c.1039C>T, p.Leu347Phe (NM_001410900.1); short protein forms L347F.
Identifiers: ClinVar variation 1939558 (VCV001939558.6), dbSNP rs2506479668, ClinGen allele CA395109773.
Genomic context (GRCh38, chr16:23,371,457, plus strand): 5'-CCCTTCATCAGAGATGAGGGCATCTACGCCATGTCGGGGACAGAGACGTCCATCGGGGTA[C>T]TCGTGGTATGGCCGGAGCCCAAGGGCAGTCCTAGAGGGTCTGAGGGTGGGAGCCCACCTG-3'
Protein context (NP_000327.2, residues 337-357): MSGTETSIGV[Leu347Phe]VDKLQRMGEP